The following is an entry in ClinVar:

NM_000321.3(RB1):c.2518G>T (p.Gly840Trp)

Gene: RB1 (RB transcriptional corepressor 1; plus strand). Cytogenetic location: 13q14.2.
Variant type: single nucleotide variant.
Coding change: c.2518G>T on transcript NM_000321.3 (MANE Select); coding-DNA position 2518, G replaced by T.
Protein change: p.Gly840Trp; replaces glycine 840 with tryptophan.
Molecular consequence: missense variant.
Genome position (GRCh38, 1-based): chr13:48,473,388, G>T. VCF-style: chr13-48473388-G-T. GRCh37 (hg19) VCF-style: chr13-49047524-G-T.
Other names: c.2518G>T (NM_000321.2); short protein forms G840W.
Identifiers: ClinVar variation 1004878 (VCV001004878.11), dbSNP rs374157786, ClinGen allele CA388168163.

ClinVar aggregate classification (germline): Uncertain significance. Review status: criteria provided, multiple submitters, no conflicts (2 of 4 stars). 2 submissions from 2 submitters: Uncertain significance (2). Last evaluated 2026-08-19.

Conditions:
Hereditary cancer-predisposing syndrome. Also called: Tumor predisposition; Hereditary Cancer Syndrome; Hereditary neoplastic syndrome; Neoplastic Syndromes, Hereditary. Identifiers: Orphanet 140162, MedGen C0027672, MeSH D009386, MONDO:0015356.
Retinoblastoma (RB1). Also called: RETINOBLASTOMA, SOMATIC. Identifiers: Orphanet 790, MedGen C0035335, MeSH D012175, MONDO:0008380, OMIM 180200, HP:0009919. Disease mechanism: loss of function. Inheritance: Both sporadic and heritable forms are tested..

gnomAD v4.1: 3 of 1,561,574 alleles (0.00019%); highest among the groups gnomAD compares: Non-Finnish European, 0.00026%; no homozygotes.

Submissions (2):

Ambry Genetics
Classification: Uncertain significance for Hereditary cancer-predisposing syndrome. Last evaluated: 2026-08-19. Review status: criteria provided, single submitter. Criteria: Ambry Variant Classification Scheme 2023. Collection method: clinical testing. Allele origin: germline.
Comment: The p.G840W variant (also known as c.2518G>T), located in coding exon 24 of the RB1 gene, results from a G to T substitution at nucleotide position 2518. The glycine at codon 840 is replaced by tryptophan, an amino acid with highly dissimilar properties. This amino acid position is highly conserved in available vertebrate species. In addition, this alteration is predicted to be deleterious by in silico analysis. Based on the available evidence, the clinical significance of this variant remains unclear.

Labcorp Genetics (formerly Invitae), Labcorp
Classification: Uncertain significance for Retinoblastoma. Last evaluated: 2022-07-12. Review status: criteria provided, single submitter. Criteria: Invitae Variant Classification Sherloc (09022015). Collection method: clinical testing. Allele origin: germline.
Comment: This sequence change replaces glycine, which is neutral and non-polar, with tryptophan, which is neutral and slightly polar, at codon 840 of the RB1 protein (p.Gly840Trp). This variant is not present in population databases (gnomAD no frequency). This variant has not been reported in the literature in individuals affected with RB1-related conditions. ClinVar contains an entry for this variant (Variation ID: 1004878). Algorithms developed to predict the effect of missense changes on protein structure and function (SIFT, PolyPhen-2, Align-GVGD) all suggest that this variant is likely to be disruptive. In summary, the available evidence is currently insufficient to determine the role of this variant in disease. Therefore, it has been classified as a Variant of Uncertain Significance.